The following is an entry in ClinVar:

ClinVar aggregate classification (germline): Pathogenic (1 of 4 stars; one submission).

Conditions:
Imerslund-Grasbeck syndrome. Also called: Imerslund-Gräsbeck syndrome; ENTEROCYTE COBALAMIN MALABSORPTION; ENTEROCYTE INTRINSIC FACTOR RECEPTOR, DEFECT OF; PERNICIOUS ANEMIA, JUVENILE, DUE TO SELECTIVE INTESTINAL MALABSORPTION OF VITAMIN B12, WITH PROTEINURIA; Megaloblastic anemia due to inborn errors of metabolism. Identifiers: Orphanet 35858, MedGen C4551825, MONDO:0009853.

Submission:

Labcorp Genetics (formerly Invitae), Labcorp
Classification: Pathogenic for Imerslund-Grasbeck syndrome. Last evaluated: 2025-12-15. Review status: criteria provided, single submitter. Criteria: Invitae Variant Classification Sherloc (09022015). Collection method: clinical testing. Allele origin: germline.
Comment: This sequence change creates a premature translational stop signal (p.Thr2549Hisfs*18) in the CUBN gene. It is expected to result in an absent or disrupted protein product. Loss-of-function variants in CUBN are known to be pathogenic (PMID: 15024727, 22929189, 25349199, 31613795, 34979989). This variant is not present in population databases (gnomAD no frequency). This variant has not been reported in the literature in individuals affected with CUBN-related conditions. For these reasons, this variant has been classified as Pathogenic.

Literature cited by the submitters: PubMed 15024727; PubMed 22929189; PubMed 25349199; PubMed 31613795; PubMed 34979989.

NM_001081.4(CUBN):c.7643dup (p.Thr2549fs)

Gene: CUBN (cubilin; minus strand). Cytogenetic location: 10p13.
Variant type: Duplication.
Coding change: c.7643dup on transcript NM_001081.4 (MANE Select); coding-DNA position 7643, one base duplicated (T; older notation c.7643dupT).
Protein change: p.Thr2549fs; shifts the reading frame from threonine 2549.
Molecular consequence: frameshift variant.
Genome position (GRCh38, 1-based): chr10:16,907,570, A duplicated on the plus strand (T on the coding strand, the reverse complement: CUBN is on the minus strand); the first of 7 consecutive A bases (chr10:16,907,570-16,907,576); duplicating any one gives the same sequence. VCF-style (leftmost placement, unchanged base first): chr10-16907569-G-GA. GRCh37 (hg19) VCF-style: chr10-16949568-G-GA.
Other names: short protein forms T2549fs.
Identifiers: ClinVar variation 4762479 (VCV004762479.1).